The following is an entry in ClinVar:

NM_000092.5(COL4A4):c.766C>T (p.Pro256Ser)

Gene: COL4A4 (collagen type IV alpha 4 chain; minus strand). Cytogenetic location: 2q36.3.
Variant type: single nucleotide variant.
Coding change: c.766C>T on transcript NM_000092.5 (MANE Select); coding-DNA position 766, C replaced by T.
Protein change: p.Pro256Ser; replaces proline 256 with serine.
Molecular consequence: missense variant.
Genome position (GRCh38, 1-based): chr2:227,104,022, G>A on the plus strand (C>T on the coding strand, the complement: COL4A4 is on the minus strand). VCF-style: chr2-227104022-G-A. GRCh37 (hg19) VCF-style: chr2-227968738-G-A.
Other names: short protein forms P256S.
Identifiers: ClinVar variation 989516 (VCV000989516.2), dbSNP rs773445256, ClinGen allele CA2145434.

ClinVar aggregate classification (germline): Uncertain significance. Review status: criteria provided, single submitter (1 of 4 stars). 2 submissions from 2 submitters: Uncertain significance (1). 1 of the submissions does not count toward it. Last evaluated 2025-12-16.

Conditions:
Alport syndrome. Also called: Hemorrhagic familial nephritis; Hemorrhagic hereditary nephritis; Congenital hereditary hematuria. Identifiers: Orphanet 63, MedGen C1567741, MONDO:0018965.
Autosomal recessive Alport syndrome (ATS2). Also called: ALPORT SYNDROME 2, AUTOSOMAL RECESSIVE; COL4A3-Related Nephropathy; Alport syndrome type 2; COL4A4 Alport Syndrome and Thin Basement Membrane Nephropathy. Identifiers: Orphanet 63, Orphanet 88919, MedGen C4746745, MONDO:0008762, OMIM 203780.

Allele frequency attached by ClinVar (database versions not stated): ExAC 0.00001; gnomAD exomes below 0.00001.
gnomAD v4.1: 1 of 1,613,182 alleles (0.000062%); highest among the groups gnomAD compares: East Asian, 0.0022%; no homozygotes.

Submissions (2):

3billion
Classification: Uncertain significance for Autosomal recessive Alport syndrome. Last evaluated: 2025-12-16. Review status: criteria provided, single submitter. Criteria: ACMG Guidelines, 2015. Collection method: clinical testing. Allele origin: germline. Affected: yes.
Comment: The variant is observed at an extremely low frequency in the gnomAD v4.1.0 dataset (total allele frequency: <0.001%). Damaging effect on gene or gene product predicted by in silico programs is uncertain [REVEL: 0.49 (damaging >=0.6, benign <0.4), 3Cnet: 0.09 (damaging >0.75, benign <0.1)]. The variant has been reported as of uncertain significance (ClinVar ID: VCV000989516). Therefore, this variant is classified as VUS according to the recommendation of ACMG/AMP guideline.

Natera, Inc.
Classification: Uncertain significance for Alport syndrome. Last evaluated: 2020-08-14. Review status: no assertion criteria provided. Collection method: clinical testing. Allele origin: germline. Not counted in ClinVar's aggregate classification.